The following is an entry in ClinVar:

ClinVar aggregate classification (germline): Uncertain significance (1 of 4 stars; one submission).

Conditions:
Bloom syndrome (BLM). Also called: Bloom-Torre-Machacek syndrome. Identifiers: Orphanet 125, MedGen C0005859, MONDO:0008876, OMIM 210900.

Submission:

Labcorp Genetics (formerly Invitae), Labcorp
Classification: Uncertain significance for Bloom syndrome. Last evaluated: 2022-02-03. Review status: criteria provided, single submitter. Criteria: Invitae Variant Classification Sherloc (09022015). Collection method: clinical testing. Allele origin: germline.
Comment: In summary, the available evidence is currently insufficient to determine the role of this variant in disease. Therefore, it has been classified as a Variant of Uncertain Significance. Algorithms developed to predict the effect of missense changes on protein structure and function are either unavailable or do not agree on the potential impact of this missense change (SIFT: "Deleterious"; PolyPhen-2: "Possibly Damaging"; Align-GVGD: "Class C0"). This variant has not been reported in the literature in individuals affected with BLM-related conditions. This variant is not present in population databases (gnomAD no frequency). This sequence change replaces aspartic acid, which is acidic and polar, with histidine, which is basic and polar, at codon 110 of the BLM protein (p.Asp110His).

NM_000057.4(BLM):c.328G>C (p.Asp110His)

Gene: BLM (BLM RecQ like helicase; plus strand). Cytogenetic location: 15q26.1.
Variant type: single nucleotide variant.
Coding change: c.328G>C on transcript NM_000057.4 (MANE Select); coding-DNA position 328, G replaced by C.
Protein change: p.Asp110His; replaces aspartic acid 110 with histidine.
Molecular consequence: missense variant. On other transcripts: 5 prime UTR variant (1).
Genome position (GRCh38, 1-based): chr15:90,749,596, G>C. VCF-style: chr15-90749596-G-C. GRCh37 (hg19) VCF-style: chr15-91292826-G-C.
Other names: c.328G>C, p.Asp110His (NM_001287246.2, NM_001287247.2); c.-964G>C (NM_001287248.2); short protein forms D110H.
Identifiers: ClinVar variation 2092644 (VCV002092644.4), dbSNP rs2505391592, ClinGen allele CA393840295.